The following is an entry in ClinVar:

NM_022489.4(INF2):c.1077C>T (p.Ser359=)

Gene: INF2 (inverted formin 2; plus strand). Cytogenetic location: 14q32.33.
Variant type: single nucleotide variant.
Coding change: c.1077C>T on transcript NM_022489.4 (MANE Select); coding-DNA position 1077, C replaced by T.
Protein change: p.Ser359=; no amino-acid change (serine 359 retained).
Molecular consequence: synonymous variant.
Genome position (GRCh38, 1-based): chr14:104,707,344, C>T. VCF-style: chr14-104707344-C-T. GRCh37 (hg19) VCF-style: chr14-105173681-C-T.
Other names: c.1077C>T (NM_022489.3); c.1077C>T, p.Ser359= (NM_001031714.4, NM_001426862.1, NM_001426863.1 and 2 more transcripts).
Identifiers: ClinVar variation 2948545 (VCV002948545.6), dbSNP rs769197364, ClinGen allele CA7372504.

ClinVar aggregate classification (germline): Likely benign. Review status: criteria provided, multiple submitters, no conflicts (2 of 4 stars). 3 submissions from 3 submitters: Likely benign (2). 1 of the submissions does not count toward it. Last evaluated 2024-10-12.

Conditions:
Focal segmental glomerulosclerosis 5 (FSGS5). Identifiers: Orphanet 656, MedGen C2750475, MONDO:0013191, OMIM 613237.
Charcot-Marie-Tooth disease dominant intermediate E. Also called: CHARCOT-MARIE-TOOTH NEUROPATHY WITH FOCAL SEGMENTAL GLOMERULONEPHRITIS. Identifiers: Orphanet 93114, MedGen C4302667, MONDO:0013758, OMIM 614455.
INF2-related disorder. Also called: INF2-related condition.

Allele frequency attached by ClinVar (database versions not stated): gnomAD exomes 0.00001; TOPMed 0.00001; ExAC 0.00002; gnomAD 0.00003.
gnomAD v4.1: 16 of 1,600,382 alleles (0.001%); highest among the groups gnomAD compares: African/African-American, 0.0067%; no homozygotes.

Submissions (3):

Labcorp Genetics (formerly Invitae), Labcorp
Classification: Likely benign for Charcot-Marie-Tooth disease dominant intermediate E; Focal segmental glomerulosclerosis 5. Last evaluated: 2024-10-12. Review status: criteria provided, single submitter. Criteria: Invitae Variant Classification Sherloc (09022015). Collection method: clinical testing. Allele origin: germline.

Blueprint Genetics
Classification: Likely benign. Last evaluated: 2023-11-30. Review status: criteria provided, single submitter. Criteria: ACMG Guidelines, 2015. Collection method: clinical testing. Allele origin: germline.

PreventionGenetics, part of Exact Sciences
Classification: Likely benign for INF2-related condition. Last evaluated: 2020-06-18. Review status: no assertion criteria provided. Collection method: clinical testing. Allele origin: germline. Not counted in ClinVar's aggregate classification.
Comment: This variant is classified as likely benign based on ACMG/AMP sequence variant interpretation guidelines (Richards et al. 2015 PMID: 25741868, with internal and published modifications).